The following is an entry in ClinVar:

ClinVar aggregate classification (germline): Pathogenic. Review status: criteria provided, multiple submitters, no conflicts (2 of 4 stars). 2 submissions from 2 submitters: Pathogenic (2). Last evaluated 2025-11-28.

Conditions:
Hereditary spherocytosis type 1. Also called: Spherocytosis type 1; ANK1-Related Spherocytosis. Identifiers: Orphanet 822, MedGen C2674218, MONDO:0008447, OMIM 182900.

Submissions (2):

MOLECULAR BIOLOGY AND HUMAN GENETICS DIVISION, THE UNIVERSITY OF BURDWAN
Classification: Pathogenic for Hereditary spherocytosis type 1. Last evaluated: 2025-11-28. Review status: criteria provided, single submitter. Criteria: ACMG Guidelines, 2015. Collection method: research. Allele origin: germline. Affected: yes. Observed: 1 variant allele.
Comment: This variant can be classified as a pathogenic variant based on the ACMG/AMP criteria PVS1, PM2, and PP3.

Labcorp Genetics (formerly Invitae), Labcorp
Classification: Pathogenic. Last evaluated: 2024-03-29. Review status: criteria provided, single submitter. Criteria: Invitae Variant Classification Sherloc (09022015). Collection method: clinical testing. Allele origin: germline.
Comment: This sequence change creates a premature translational stop signal (p.Trp1155*) in the ANK1 gene. It is expected to result in an absent or disrupted protein product. Loss-of-function variants in ANK1 are known to be pathogenic (PMID: 8640229). This variant is not present in population databases (gnomAD no frequency). This premature translational stop signal has been observed in individual(s) with spherocytosis (PMID: 29572776). For these reasons, this variant has been classified as Pathogenic.

Literature cited by the submitters: PubMed 8640229 (cited by MOLECULAR BIOLOGY AND HUMAN GENETICS DIVISION, THE UNIVERSITY OF BURDWAN and Labcorp Genetics (formerly Invitae), Labcorp); PubMed 29572776 (cited by Labcorp Genetics (formerly Invitae), Labcorp).

NM_000037.4(ANK1):c.3464G>A (p.Trp1155Ter)

Gene: ANK1 (ankyrin 1; minus strand). Cytogenetic location: 8p11.21.
Variant type: single nucleotide variant.
Coding change: c.3464G>A on transcript NM_000037.4 (MANE Select); coding-DNA position 3464, G replaced by A.
Protein change: p.Trp1155Ter; replaces tryptophan 1155 with a stop codon.
Molecular consequence: nonsense.
Genome position (GRCh38, 1-based): chr8:41,693,966, C>T on the plus strand (G>A on the coding strand, the complement: ANK1 is on the minus strand). VCF-style: chr8-41693966-C-T. GRCh37 (hg19) VCF-style: chr8-41551484-C-T.
Other names: c.3587G>A, p.Trp1196Ter (NM_001142446.2); c.3464G>A, p.Trp1155Ter (NM_020475.3, NM_020476.3, NM_020477.3); short protein forms W1196*, W1155*.
Identifiers: ClinVar variation 3704395 (VCV003704395.3).
Genomic context (GRCh38, chr8:41,693,966, plus strand): 5'-CTGCAAAGCAGGCGCAGGCTGGTGGTGTCTCCCTCCCCGCTGTCCCTCGGGTTGTCGGTC[C>T]AGGAAGGAGGTAGTGGGATCCGAAGCCCAATGGGGCGGTGGAACTTCCGGCGCCGGGGCT-3'